The following is an entry in ClinVar:

ClinVar aggregate classification (germline): Uncertain significance. Review status: criteria provided, multiple submitters, no conflicts (2 of 4 stars). 2 submissions from 2 submitters: Uncertain significance (2). Last evaluated 2025-06-23.

Allele frequency attached by ClinVar (database versions not stated): TOPMed 0.00006; ExAC 0.00009; gnomAD exomes 0.00004 and 0.00006; gnomAD 0.00005.
gnomAD v4.1: 92 of 1,551,198 alleles (0.0059%); highest among the groups gnomAD compares: Non-Finnish European, 0.0075%; no homozygotes.

Submissions (2):

Ambry Genetics
Classification: Uncertain significance. Last evaluated: 2025-06-23. Review status: criteria provided, single submitter. Criteria: Ambry Variant Classification Scheme 2023. Collection method: clinical testing. Allele origin: germline.

Labcorp Genetics (formerly Invitae), Labcorp
Classification: Uncertain significance. Last evaluated: 2023-07-21. Review status: criteria provided, single submitter. Criteria: Invitae Variant Classification Sherloc (09022015). Collection method: clinical testing. Allele origin: germline.
Comment: In summary, the available evidence is currently insufficient to determine the role of this variant in disease. Therefore, it has been classified as a Variant of Uncertain Significance. An algorithm developed to predict the effect of missense changes on protein structure and function (PolyPhen-2) suggests that this variant is likely to be disruptive. This sequence change replaces serine, which is neutral and polar, with tyrosine, which is neutral and polar, at codon 236 of the DTHD1 protein (p.Ser236Tyr). This variant is present in population databases (rs750097471, gnomAD 0.01%). This variant has not been reported in the literature in individuals affected with DTHD1-related conditions. ClinVar contains an entry for this variant (Variation ID: 852326).

NM_001170700.3(DTHD1):c.1577C>A (p.Ser526Tyr)

Gene: DTHD1 (death domain containing 1; plus strand). Cytogenetic location: 4p14.
Variant type: single nucleotide variant.
Coding change: c.1577C>A on transcript NM_001170700.3 (MANE Select); coding-DNA position 1577, C replaced by A.
Protein change: p.Ser526Tyr; replaces serine 526 with tyrosine.
Molecular consequence: missense variant. On other transcripts: non-coding transcript variant (2).
Genome position (GRCh38, 1-based): chr4:36,294,973, C>A. VCF-style: chr4-36294973-C-A. GRCh37 (hg19) VCF-style: chr4-36296595-C-A.
Other names: c.1202C>A (NM_001170700.1); c.707C>A, p.Ser236Tyr (NM_001136536.5); c.644C>A, p.Ser215Tyr (NM_001378435.1); short protein forms S215Y, S526Y, S236Y.
Identifiers: ClinVar variation 852326 (VCV000852326.9), dbSNP rs750097471, ClinGen allele CA2885648.